The following is an entry in ClinVar:

NM_015151.4(DIP2A):c.189G>T (p.Glu63Asp)

Gene: DIP2A (disco interacting protein 2 homolog A; plus strand). Cytogenetic location: 21q22.3.
Variant type: single nucleotide variant.
Coding change: c.189G>T on transcript NM_015151.4 (MANE Select); coding-DNA position 189, G replaced by T.
Protein change: p.Glu63Asp; replaces glutamic acid 63 with aspartic acid.
Molecular consequence: missense variant.
Genome position (GRCh38, 1-based): chr21:46,490,625, G>T. VCF-style: chr21-46490625-G-T. GRCh37 (hg19) VCF-style: chr21-47910538-G-T.
Other names: c.189G>T, p.Glu63Asp (NM_001146115.2, NM_001146116.2, NM_001353942.2 and 6 more transcripts); short protein forms E63D.
Identifiers: ClinVar variation 3031750 (VCV003031750.2), dbSNP rs535903034, ClinGen allele CA10081643.

ClinVar aggregate classification (germline): Uncertain significance (0 of 4 stars; one submission).

Conditions:
DIP2A-related disorder. Also called: DIP2A-related condition.

Submission:

PreventionGenetics, part of Exact Sciences
Classification: Uncertain significance for DIP2A-related condition. Last evaluated: 2023-12-17. Review status: no assertion criteria provided. Collection method: clinical testing. Allele origin: germline.
Comment: The DIP2A c.189G>T variant is predicted to result in the amino acid substitution p.Glu63Asp. To our knowledge, this variant has not been reported in the literature or in a large population database, indicating this variant is rare. At this time, the clinical significance of this variant is uncertain due to the absence of conclusive functional and genetic evidence.